The following is an entry in ClinVar:

ClinVar aggregate classification (germline): Uncertain significance. Review status: criteria provided, multiple submitters, no conflicts (2 of 4 stars). 2 submissions from 2 submitters: Uncertain significance (2). Last evaluated 2025-01-30.

Conditions:
Cardiovascular phenotype. Identifiers: MedGen CN230736.

gnomAD v4.1: 13 of 1,614,232 alleles (0.00081%); highest among the groups gnomAD compares: Non-Finnish European, 0.0011%; no homozygotes.

Submissions (2):

Ambry Genetics
Classification: Uncertain significance for Cardiovascular phenotype. Last evaluated: 2025-01-30. Review status: criteria provided, single submitter. Criteria: Ambry Variant Classification Scheme 2023. Collection method: clinical testing. Allele origin: germline.

Labcorp Genetics (formerly Invitae), Labcorp
Classification: Uncertain significance. Last evaluated: 2024-04-07. Review status: criteria provided, single submitter. Criteria: Invitae Variant Classification Sherloc (09022015). Collection method: clinical testing. Allele origin: germline.
Comment: This sequence change replaces lysine, which is basic and polar, with arginine, which is basic and polar, at codon 699 of the ALPK3 protein (p.Lys699Arg). This variant is present in population databases (no rsID available, gnomAD 0.0009%). This variant has not been reported in the literature in individuals affected with ALPK3-related conditions. Algorithms developed to predict the effect of missense changes on protein structure and function output the following: SIFT: "Not Available"; PolyPhen-2: "Benign"; Align-GVGD: "Not Available". The arginine amino acid residue is found in multiple mammalian species, which suggests that this missense change does not adversely affect protein function. In summary, the available evidence is currently insufficient to determine the role of this variant in disease. Therefore, it has been classified as a Variant of Uncertain Significance.

NM_020778.5(ALPK3):c.1490A>G (p.Lys497Arg)

Genes: ALPK3 (alpha kinase 3; plus strand), LOC111718493 (skeletal muscle cis-regulatory module overlapping ALPK3; plus strand). Cytogenetic location: 15q25.3.
Variant type: single nucleotide variant.
Coding change: c.1490A>G on transcript NM_020778.5 (MANE Select); coding-DNA position 1490, A replaced by G.
Protein change: p.Lys497Arg; replaces lysine 497 with arginine.
Molecular consequence: missense variant.
Genome position (GRCh38, 1-based): chr15:84,840,769, A>G. VCF-style: chr15-84840769-A-G. GRCh37 (hg19) VCF-style: chr15-85384000-A-G.
Other names: c.2096A>G (NM_020778.4); short protein forms K497R.
Identifiers: ClinVar variation 3692920 (VCV003692920.3).